The following is an entry in ClinVar:

NM_020975.6(RET):c.2695G>A (p.Val899Ile)

Gene: RET (ret proto-oncogene; plus strand). Cytogenetic location: 10q11.21.
Variant type: single nucleotide variant.
Coding change: c.2695G>A on transcript NM_020975.6 (MANE Select); coding-DNA position 2695, G replaced by A.
Protein change: p.Val899Ile; replaces valine 899 with isoleucine.
Molecular consequence: missense variant.
Genome position (GRCh38, 1-based): chr10:43,120,168, G>A. VCF-style: chr10-43120168-G-A. GRCh37 (hg19) VCF-style: chr10-43615616-G-A.
Other names: c.2695G>A, p.Val899Ile (NM_000323.2, NM_001406743.1, NM_001406744.1 and 4 more transcripts); c.1933G>A, p.Val645Ile (NM_001355216.2); c.2566G>A, p.Val856Ile (NM_001406761.1, NM_001406762.1, NM_001406764.1); c.2560G>A, p.Val854Ile (NM_001406763.1, NM_001406765.1); c.2407G>A, p.Val803Ile (NM_001406766.1, NM_001406767.1, NM_001406770.1); c.2431G>A, p.Val811Ile (NM_001406768.1); c.2299G>A, p.Val767Ile (NM_001406769.1, NM_001406772.1); c.2257G>A, p.Val753Ile (NM_001406771.1, NM_001406773.1); and 10 more; short protein forms V504I, V557I, V560I, V753I, V803I, V856I, V569I, V645I.
Identifiers: ClinVar variation 1794846 (VCV001794846.7), dbSNP rs1838181731, ClinGen allele CA376557241.

ClinVar aggregate classification (germline): Uncertain significance. Review status: criteria provided, multiple submitters, no conflicts (2 of 4 stars). 3 submissions from 3 submitters: Uncertain significance (3). Last evaluated 2025-09-04.

Conditions:
Hereditary cancer-predisposing syndrome. Also called: Tumor predisposition; Hereditary Cancer Syndrome; Neoplastic Syndromes, Hereditary; Hereditary neoplastic syndrome. Identifiers: Orphanet 140162, MedGen C0027672, MeSH D009386, MONDO:0015356.
Multiple endocrine neoplasia, type 2 (MEN2). Identifiers: Orphanet 653, MedGen C4048306, MONDO:0019003. Disease mechanism: gain of function.

Allele frequency attached by ClinVar (database versions not stated): TOPMed below 0.00001.

Submissions (3):

Labcorp Genetics (formerly Invitae), Labcorp
Classification: Uncertain significance for Multiple endocrine neoplasia, type 2. Last evaluated: 2025-09-04. Review status: criteria provided, single submitter. Criteria: Invitae Variant Classification Sherloc (09022015). Collection method: clinical testing. Allele origin: germline.
Comment: This sequence change replaces valine, which is neutral and non-polar, with isoleucine, which is neutral and non-polar, at codon 899 of the RET protein (p.Val899Ile). This variant is not present in population databases (gnomAD no frequency). This variant has not been reported in the literature in individuals affected with RET-related conditions. ClinVar contains an entry for this variant (Variation ID: 1794846). An algorithm developed to predict the effect of missense changes on protein structure and function (PolyPhen-2) suggests that this variant is likely to be disruptive. In summary, the available evidence is currently insufficient to determine the role of this variant in disease. Therefore, it has been classified as a Variant of Uncertain Significance.

Ambry Genetics
Classification: Uncertain significance for Hereditary cancer-predisposing syndrome. Last evaluated: 2024-11-28. Review status: criteria provided, single submitter. Criteria: Ambry Variant Classification Scheme 2023. Collection method: clinical testing. Allele origin: germline.
Comment: The p.V899I variant (also known as c.2695G>A), located in coding exon 15 of the RET gene, results from a G to A substitution at nucleotide position 2695. The valine at codon 899 is replaced by isoleucine, an amino acid with highly similar properties. This amino acid position is highly conserved in available vertebrate species. In addition, the in silico prediction for this alteration is inconclusive. Since supporting evidence is limited at this time, the clinical significance of this alteration remains unclear.

All of Us Research Program, National Institutes of Health
Classification: Uncertain significance for Multiple endocrine neoplasia, type 2. Last evaluated: 2024-08-13. Review status: criteria provided, single submitter. Criteria: ACMG Guidelines, 2015. Collection method: clinical testing. Allele origin: germline. Inheritance: Autosomal dominant inheritance. Observed: 1 variant allele, 1 heterozygote.
Comment: This missense variant replaces valine with isoleucine at codon 899 of the RET protein. Computational prediction suggests that this variant may not impact protein structure and function. To our knowledge, functional studies have not been reported for this variant. This variant has not been reported in individuals affected with RET-related disorders in the literature. This variant has not been identified in the general population by the Genome Aggregation Database (gnomAD). The available evidence is insufficient to determine the role of this variant in disease conclusively. Therefore, this variant is classified as a Variant of Uncertain Significance.

This study involves interpretation of variants in research participants for the purpose of population health screening. Participant phenotype was not available at the time of variant classification. Additional details can be found in publication PMID: 35346344, PMCID: PMC8962531